The following is an entry in ClinVar:

ClinVar aggregate classification (germline): Uncertain significance (1 of 4 stars; one submission).

Submission:

Dasa
Classification: Uncertain significance. Last evaluated: 2025-02-13. Review status: criteria provided, single submitter. Criteria: DASA Assertion Criteria. Collection method: clinical testing. Allele origin: germline.
Comment: NM_002778.4(PSAP):c.909+2T>G affects a canonical splice site and is predicted to disrupt normal RNA splicing. This variant is rare in population databases. The currently available literature and clinical evidence are not sufficient to establish a definitive association between this variant and the reported condition. Therefore, this variant is classified as a variant of uncertain significance.

NM_002778.4(PSAP):c.909+2T>G

Gene: PSAP (prosaposin; minus strand). Cytogenetic location: 10q22.1.
Variant type: single nucleotide variant.
Coding change: c.909+2T>G on transcript NM_002778.4 (MANE Select); the canonical splice donor site of the intron after coding-DNA position 909, T replaced by G.
Molecular consequence: splice donor variant.
Genome position (GRCh38, 1-based): chr10:71,821,874, A>C on the plus strand (T>G on the coding strand, the complement: PSAP is on the minus strand). VCF-style: chr10-71821874-A-C. GRCh37 (hg19) VCF-style: chr10-73581631-A-C.
Other names: c.915+2T>G (NM_001042466.3); c.918+2T>G (NM_001042465.3).
Identifiers: ClinVar variation 4885588 (VCV004885588.2).